The following is an entry in ClinVar:

NM_005902.4(SMAD3):c.92G>C (p.Cys31Ser)

Gene: SMAD3 (SMAD family member 3; plus strand). Cytogenetic location: 15q22.33.
Variant type: single nucleotide variant.
Coding change: c.92G>C on transcript NM_005902.4 (MANE Select); coding-DNA position 92, G replaced by C.
Protein change: p.Cys31Ser; replaces cysteine 31 with serine.
Molecular consequence: missense variant.
Genome position (GRCh38, 1-based): chr15:67,066,246, G>C. VCF-style: chr15-67066246-G-C. GRCh37 (hg19) VCF-style: chr15-67358584-G-C.
Other names: c.92G>C, p.Cys31Ser (NM_001407011.1, NM_001407012.1, NM_001407013.1); short protein forms C31S.
Identifiers: ClinVar variation 3572471 (VCV003572471.5), dbSNP rs1443339510.

ClinVar aggregate classification (germline): Uncertain significance. Review status: criteria provided, multiple submitters, no conflicts (2 of 4 stars). 4 submissions from 4 submitters: Uncertain significance (4). Last evaluated 2026-09-21.

Conditions:
Familial thoracic aortic aneurysm and aortic dissection (TAAD). Also called: Thoracic aortic aneurysms and dissections. Identifiers: Orphanet 91387, MedGen C4707243, MONDO:0019625.
Cardiovascular phenotype. Identifiers: MedGen CN230736.

gnomAD v4.1: 8 of 1,613,650 alleles (0.0005%); highest among the groups gnomAD compares: Admixed American, 0.0017%; no homozygotes.

Submissions (4):

Molecular Diagnostic Laboratory for Inherited Cardiovascular Disease, Montreal Heart Institute
Classification: Uncertain significance for Cardiovascular phenotype. Last evaluated: 2026-09-21. Review status: criteria provided, single submitter. Criteria: ACMG Guidelines, 2015. Collection method: clinical testing. Allele origin: germline. Affected: yes.

Labcorp Genetics (formerly Invitae), Labcorp
Classification: Uncertain significance for Familial thoracic aortic aneurysm and aortic dissection. Last evaluated: 2025-10-21. Review status: criteria provided, single submitter. Criteria: Invitae Variant Classification Sherloc (09022015). Collection method: clinical testing. Allele origin: germline.
Comment: This sequence change replaces cysteine, which is neutral and slightly polar, with serine, which is neutral and polar, at codon 31 of the SMAD3 protein (p.Cys31Ser). This variant is present in population databases (no rsID available, gnomAD 0.0009%). This variant has not been reported in the literature in individuals affected with SMAD3-related conditions. ClinVar contains an entry for this variant (Variation ID: 3572471). Invitae Evidence Modeling of protein sequence and biophysical properties (such as structural, functional, and spatial information, amino acid conservation, physicochemical variation, residue mobility, and thermodynamic stability) indicates that this missense variant is not expected to disrupt SMAD3 protein function with a negative predictive value of 80%. In summary, the available evidence is currently insufficient to determine the role of this variant in disease. Therefore, it has been classified as a Variant of Uncertain Significance.

GeneDx
Classification: Uncertain significance. Last evaluated: 2024-07-07. Review status: criteria provided, single submitter. Criteria: GeneDx Variant Classification Process June 2021. Collection method: clinical testing. Allele origin: germline. Affected: yes.
Comment: Has not been previously published as pathogenic or benign to our knowledge; Not observed at significant frequency in large population cohorts (gnomAD); In silico analysis indicates that this missense variant does not alter protein structure/function

Blueprint Genetics
Classification: Uncertain significance. Last evaluated: 2022-08-01. Review status: criteria provided, single submitter. Criteria: ACMG Guidelines, 2015. Collection method: clinical testing. Allele origin: germline.